The following is an entry in ClinVar:

ClinVar aggregate classification (germline): Pathogenic (1 of 4 stars; one submission).

Conditions:
Fabry disease. Also called: ALPHA-GALACTOSIDASE A DEFICIENCY; ANDERSON-FABRY DISEASE; CERAMIDE TRIHEXOSIDASE DEFICIENCY; GLA DEFICIENCY; HEREDITARY DYSTOPIC LIPIDOSIS; Angiokeratoma corporis diffusum. Identifiers: Orphanet 324, MedGen C0002986, MONDO:0010526, OMIM 301500, HP:0001071. Disease mechanism: Fabry disease is due to inactivating mutations in the X-linked GLA gene resulting in deficiency of the enzyme Alpha Galactosidase-A., loss of function.

Submission:

Genomenon, Inc
Classification: Pathogenic for Fabry disease. Last evaluated: 2026-09-08. Review status: criteria provided, single submitter. Criteria: Genomenon Sequence Variant Interpretation Standards - Updated. Collection method: curation. Allele origin: germline. Affected: yes.
Comment: GLA p.Lys168Gln (c.502A>C) is a missense variant that changes the amino acid at codon 168 from Lysine to Glutamine. This variant has been observed in at least one proband with clinical features consistent with Fabry disease (PMID:35870541). At least one functional study has demonstrated a substantial alteration in protein function relative to the wild-type (PMID:35870541). This variant is located in a mutational hotspot and/or important functional domain. It is absent or not present at a significant frequency in gnomAD. In silico models predict that this variant is possibly or probably damaging. In conclusion, we classify GLA p.Lys168Gln (c.502A>C) as a pathogenic variant.

Literature cited by the submitters: PubMed 35870541.

NM_000169.3(GLA):c.502A>C (p.Lys168Gln)

Genes: GLA (galactosidase alpha; minus strand), RPL36A-HNRNPH2 (RPL36A-HNRNPH2 readthrough; plus strand). Cytogenetic location: Xq22.1.
Variant type: single nucleotide variant.
Coding change: c.502A>C on transcript NM_000169.3 (MANE Select); coding-DNA position 502, A replaced by C.
Protein change: p.Lys168Gln; replaces lysine 168 with glutamine.
Molecular consequence: missense variant. On other transcripts: non-coding transcript variant (3), intron variant (2).
Genome position (GRCh38, 1-based): chrX:101,401,677, T>G on the plus strand (A>C on the coding strand, the complement: GLA is on the minus strand). VCF-style: chrX-101401677-T-G. GRCh37 (hg19) VCF-style: chrX-100656665-T-G.
Other names: c.625A>C, p.Lys209Gln (NM_001406747.1, NM_001406749.1); c.502A>C, p.Lys168Gln (NM_001406748.1); c.300+6220T>G (NM_001199973.2); c.177+9855T>G (NM_001199974.2); short protein forms K168Q, K209Q.
Identifiers: ClinVar variation 4087396 (VCV004087396.2).
Genomic context (GRCh38, chrX:101,401,677, plus strand): 5'-GGAATGAAACATTACCATCTGCCAAATTTTCCAAACTGTCACAGTAACAACCATCAAATT[T>G]TAGCAGATCTACTCCCCAGTCAGCAAAGGTCTGGGCATCAATGTCGTAGTATCCAAAACT-3'
Protein context (NP_000160.1, residues 158-178): TFADWGVDLL[Lys168Gln]FDGCYCDSLE